The following is an entry in ClinVar:

NM_000154.2(GALK1):c.270T>G (p.Phe90Leu)

Gene: GALK1 (galactokinase 1; minus strand). Cytogenetic location: 17q25.1.
Variant type: single nucleotide variant.
Coding change: c.270T>G on transcript NM_000154.2 (MANE Select); coding-DNA position 270, T replaced by G.
Protein change: p.Phe90Leu; replaces phenylalanine 90 with leucine.
Molecular consequence: missense variant.
Genome position (GRCh38, 1-based): chr17:75,763,982, A>C on the plus strand (T>G on the coding strand, the complement: GALK1 is on the minus strand). VCF-style: chr17-75763982-A-C. GRCh37 (hg19) VCF-style: chr17-73760063-A-C.
Other names: c.270T>G, p.Phe90Leu (NM_001381985.1); short protein forms F90L.
Identifiers: ClinVar variation 2164813 (VCV002164813.4), dbSNP rs756937139, ClinGen allele CA8771012.

ClinVar aggregate classification (germline): Uncertain significance (1 of 4 stars; one submission).

Conditions:
Deficiency of galactokinase. Also called: Galactokinase deficiency with cataracts; GALACTOSEMIA II. Identifiers: Orphanet 352, Orphanet 79237, MedGen C0268155, MONDO:0009255, OMIM 230200.

gnomAD v4.1: 13 of 1,612,708 alleles (0.00081%); highest among the groups gnomAD compares: Non-Finnish European, 0.00059%; no homozygotes.

Submission:

Labcorp Genetics (formerly Invitae), Labcorp
Classification: Uncertain significance for Deficiency of galactokinase. Last evaluated: 2023-10-30. Review status: criteria provided, single submitter. Criteria: Invitae Variant Classification Sherloc (09022015). Collection method: clinical testing. Allele origin: germline.
Comment: This sequence change replaces phenylalanine, which is neutral and non-polar, with leucine, which is neutral and non-polar, at codon 90 of the GALK1 protein (p.Phe90Leu). The frequency data for this variant in the population databases is considered unreliable, as metrics indicate poor data quality at this position in the gnomAD database. This variant has not been reported in the literature in individuals affected with GALK1-related conditions. ClinVar contains an entry for this variant (Variation ID: 2164813). Advanced modeling of protein sequence and biophysical properties (such as structural, functional, and spatial information, amino acid conservation, physicochemical variation, residue mobility, and thermodynamic stability) performed at Invitae indicates that this missense variant is not expected to disrupt GALK1 protein function with a negative predictive value of 80%. In summary, the available evidence is currently insufficient to determine the role of this variant in disease. Therefore, it has been classified as a Variant of Uncertain Significance.